The following is an entry in ClinVar:

ClinVar aggregate classification (germline): Pathogenic. Review status: criteria provided, multiple submitters, no conflicts (2 of 4 stars). 2 submissions from 2 submitters: Pathogenic (2). Last evaluated 2024-10-04.

Conditions:
Bronchiectasis with or without elevated sweat chloride 3 (BESC3). Identifiers: Orphanet 60033, MedGen C2751324, MONDO:0013112, OMIM 613071.

Allele frequency attached by ClinVar (database versions not stated): TOPMed below 0.00001.

Submissions (2):

Dubai Health Genomic Medicine Center, Dubai Health
Classification: Pathogenic for Bronchiectasis with or without elevated sweat chloride 3. Last evaluated: 2024-10-04. Review status: criteria provided, single submitter. Criteria: ACMG Guidelines, 2015. Collection method: research. Allele origin: germline. Affected: yes.
Comment: PVS1,PP4,PM2

Revvity Omics, Revvity
Classification: Pathogenic. Last evaluated: 2019-08-27. Review status: criteria provided, single submitter. Criteria: ACMG Guidelines, 2015. Collection method: clinical testing. Allele origin: germline.

NM_001039.4(SCNN1G):c.412C>T (p.Arg138Ter)

Gene: SCNN1G (sodium channel epithelial 1 subunit gamma; plus strand). Cytogenetic location: 16p12.2.
Variant type: single nucleotide variant.
Coding change: c.412C>T on transcript NM_001039.4 (MANE Select); coding-DNA position 412, C replaced by T.
Protein change: p.Arg138Ter; replaces arginine 138 with a stop codon.
Molecular consequence: nonsense.
Genome position (GRCh38, 1-based): chr16:23,189,465, C>T. VCF-style: chr16-23189465-C-T. GRCh37 (hg19) VCF-style: chr16-23200786-C-T.
Other names: short protein forms R138*.
Identifiers: ClinVar variation 1323567 (VCV001323567.5), dbSNP rs866495683, ClinGen allele CA279444548.
Genomic context (GRCh38, chr16:23,189,465, plus strand): 5'-GAACAGGAGACCAGAGAGGCCCTGAAGTCCCTGTATGGCTTTCCAGAGTCCCGGAAGCGC[C>T]GAGAGGCGGAGTCCTGGAACTCCGTCTCAGAGGGAAAGCAGCCTAGATTCTCCCACCGGA-3'